The following is an entry in ClinVar:

NC_000023.10:g.(?_22132585)_(22140843_?)del

Gene: PHEX (phosphate regulating endopeptidase X-linked; plus strand). Cytogenetic location: Xp22.11.
Variant type: Deletion.
Identifiers: ClinVar variation 2423115 (VCV002423115.4).

ClinVar aggregate classification (germline): Pathogenic (1 of 4 stars; one submission).

Submission:

Labcorp Genetics (formerly Invitae), Labcorp
Classification: Pathogenic. Last evaluated: 2022-02-22. Review status: criteria provided, single submitter. Criteria: Invitae Variant Classification Sherloc (09022015). Collection method: clinical testing. Allele origin: germline.
Comment: For these reasons, this variant has been classified as Pathogenic. This variant has been observed in individual(s) with clinical features of X-linked hypophosphatemia (Invitae). This variant results in the deletion of part of exon 11 (c.1183_1302+8139del) of the PHEX gene. It is expected to disrupt RNA splicing. Variants that disrupt the donor or acceptor splice site typically lead to a loss of protein function (PMID: 16199547), and loss-of-function variants in PHEX are known to be pathogenic (PMID: 9097956, 9106524, 19219621).

Literature cited by the submitters: PubMed 16199547; PubMed 9097956; PubMed 9106524; PubMed 19219621.